The following is an entry in ClinVar:

ClinVar aggregate classification (germline): Uncertain significance (1 of 4 stars; one submission).

Allele frequency attached by ClinVar (database versions not stated): gnomAD exomes below 0.00001; TOPMed 0.00001; ExAC 0.00002; gnomAD 0.00002; 1000 Genomes Project 0.00040; 1000 Genomes Project 30x 0.00047.

Submission:

Labcorp Genetics (formerly Invitae), Labcorp
Classification: Uncertain significance. Last evaluated: 2022-01-13. Review status: criteria provided, single submitter. Criteria: Invitae Variant Classification Sherloc (09022015). Collection method: clinical testing. Allele origin: germline.
Comment: This variant is present in population databases (rs199727408, gnomAD 0.01%). In summary, the available evidence is currently insufficient to determine the role of this variant in disease. Therefore, it has been classified as a Variant of Uncertain Significance. Algorithms developed to predict the effect of missense changes on protein structure and function (SIFT, PolyPhen-2, Align-GVGD) all suggest that this variant is likely to be tolerated. This variant has not been reported in the literature in individuals affected with SLC24A1-related conditions. This sequence change replaces asparagine, which is neutral and polar, with histidine, which is basic and polar, at codon 697 of the SLC24A1 protein (p.Asn697His).

NM_004727.3(SLC24A1):c.2089A>C (p.Asn697His)

Gene: SLC24A1 (solute carrier family 24 member 1; plus strand). Cytogenetic location: 15q22.31.
Variant type: single nucleotide variant.
Coding change: c.2089A>C on transcript NM_004727.3 (MANE Select); coding-DNA position 2089, A replaced by C.
Protein change: p.Asn697His; replaces asparagine 697 with histidine.
Molecular consequence: missense variant.
Genome position (GRCh38, 1-based): chr15:65,644,462, A>C. VCF-style: chr15-65644462-A-C. GRCh37 (hg19) VCF-style: chr15-65936800-A-C.
Other names: c.70A>C, p.Asn24His (NM_001254740.2); c.2089A>C, p.Asn697His (NM_001301031.1); c.2035A>C, p.Asn679His (NM_001301032.1, NM_001301033.2); short protein forms N24H, N697H, N679H.
Identifiers: ClinVar variation 2082203 (VCV002082203.4), dbSNP rs199727408, ClinGen allele CA7620090.